The following is an entry in ClinVar:

ClinVar aggregate classification (germline): Uncertain significance (1 of 4 stars; one submission).

Submission:

Women's Health and Genetics/Laboratory Corporation of America, LabCorp
Classification: Uncertain significance. Last evaluated: 2026-02-02. Review status: criteria provided, single submitter. Criteria: LabCorp Variant Classification Summary - May 2015. Collection method: clinical testing. Allele origin: germline.
Comment: Variant summary: SUMF1 c.463T>A (p.Ser155Thr) results in a conservative amino acid change located in the Sulfatase-modifying factor enzyme (SUMF) domain (IPR005532) of the encoded protein sequence. Algorithms developed to predict the effect of missense changes on protein structure and function are either unavailable or do not agree on the potential impact of this missense change. The variant was absent in 251440 control chromosomes (gnomAD). To our knowledge, no occurrence of c.463T>A in individuals affected with SUMF1-related conditions and no experimental evidence demonstrating its impact on protein function have been reported. However, two different missense variants affecting the same codon have been classified as likely pathogenic/pathogenic by our lab (c.463T>C (p.Ser155Pro), c.464C>T (p.Ser155Phe)), supporting the critical relevance of codon 155 to SUMF1 protein function. No submitters have cited clinical-significance assessments for this variant to ClinVar. Based on the evidence outlined above, the variant was classified as VUS-possibly pathogenic.

NM_182760.4(SUMF1):c.463T>A (p.Ser155Thr)

Gene: SUMF1 (sulfatase modifying factor 1; minus strand). Cytogenetic location: 3p26.1.
Variant type: single nucleotide variant.
Coding change: c.463T>A on transcript NM_182760.4 (MANE Select); coding-DNA position 463, T replaced by A.
Protein change: p.Ser155Thr; replaces serine 155 with threonine.
Molecular consequence: missense variant. On other transcripts: intron variant (1).
Genome position (GRCh38, 1-based): chr3:4,449,322, A>T on the plus strand (T>A on the coding strand, the complement: SUMF1 is on the minus strand). VCF-style: chr3-4449322-A-T. GRCh37 (hg19) VCF-style: chr3-4491006-A-T.
Other names: c.463T>A, p.Ser155Thr (NM_001164675.2); c.444+3554T>A (NM_001164674.2); short protein forms S155T.
Identifiers: ClinVar variation 4848113 (VCV004848113.1).
Genomic context (GRCh38, chr3:4,449,322, plus strand): 5'-TTACTGCCTGTTGAATATTGGTCTTCACTTGCTCACTCAACATGCCTTCAAAGACAAAGG[A>T]GTCGCCAAACTTCTCAGCCTATAAGGAAGGTAGGAAATAAAAATCCAGAAAAGGTTGTAG-3'
Protein context (NP_877437.2, residues 145-165): YLTEAEKFGD[Ser155Thr]FVFEGMLSEQ